The following is an entry in ClinVar:

NM_000540.3(RYR1):c.7616C>T (p.Ala2539Val)

Gene: RYR1 (ryanodine receptor 1; plus strand). Cytogenetic location: 19q13.2.
Variant type: single nucleotide variant.
Coding change: c.7616C>T on transcript NM_000540.3 (MANE Select); coding-DNA position 7616, C replaced by T.
Protein change: p.Ala2539Val; replaces alanine 2539 with valine.
Molecular consequence: missense variant.
Genome position (GRCh38, 1-based): chr19:38,502,508, C>T. VCF-style: chr19-38502508-C-T. GRCh37 (hg19) VCF-style: chr19-38993148-C-T.
Other names: c.7616C>T, p.Ala2539Val (NM_001042723.2); short protein forms A2539V.
Identifiers: ClinVar variation 658565 (VCV000658565.7), dbSNP rs761057071, ClinGen allele CA069875.
Genomic context (GRCh38, chr19:38,502,508, plus strand): 5'-GGTGCCAGAGCAGCCCCAGGGGTGTGCAGCGGGCCTGATGTCCTCACCCTGCGCCCTAGG[C>T]CACTTTCAGCACCACCGAGATGGCGCTGGCGCTGAACCGCTACCTGTGCCTGGCCGTGCT-3'
Protein context (NP_000531.2, residues 2529-2549): DMRAAASLDT[Ala2539Val]TFSTTEMALA

ClinVar aggregate classification (germline): Uncertain significance. Review status: criteria provided, multiple submitters, no conflicts (2 of 4 stars). 3 submissions from 3 submitters: Uncertain significance (3). Last evaluated 2023-12-13.

Conditions:
Malignant hyperthermia, susceptibility to, 1 (MHS1). Also called: RYR1-Related Malignant Hyperthermia Susceptibility; Anesthesia related hyperthermia; Malignant hyperpyrexia; Fulminating hyperpyrexia; Pharmacogenic myopathy; Malignant hyperthermia suceptibility 1. Identifiers: Orphanet 423, MedGen C2930980, MONDO:0007783, OMIM 145600.
RYR1-related disorder. Also called: RYR1-related disorders; RYR1-related condition. Identifiers: MedGen CN239331.

Allele frequency attached by ClinVar (database versions not stated): ExAC 0.00001; gnomAD 0.00002; TOPMed 0.00002.

Submissions (3):

All of Us Research Program, National Institutes of Health
Classification: Uncertain significance for Malignant hyperthermia, susceptibility to, 1. Last evaluated: 2023-12-13. Review status: criteria provided, single submitter. Criteria: ACMG Guidelines, 2015. Collection method: clinical testing. Allele origin: germline. Inheritance: Autosomal dominant inheritance. Observed: 3 variant alleles, 3 heterozygotes.
Comment: This missense variant replaces alanine with valine at codon 2539 of the RYR1 protein. Computational prediction suggests that this variant may not impact protein structure and function (internally defined REVEL score threshold <= 0.5, PMID: 27666373). To our knowledge, functional studies have not been reported for this variant. This variant has not been reported in individuals affected with RYR1-related disorders in the literature. This variant has been identified in 1/242998 chromosomes in the general population by the Genome Aggregation Database (gnomAD). The available evidence is insufficient to determine the role of this variant in disease conclusively. Therefore, this variant is classified as a Variant of Uncertain Significance.

This study involves interpretation of variants in research participants for the purpose of population health screening. Participant phenotype was not available at the time of variant classification. Additional details can be found in publication PMID: 35346344, PMCID: PMC8962531

Color Diagnostics, LLC DBA Color Health
Classification: Uncertain significance for Malignant hyperthermia, susceptibility to, 1. Last evaluated: 2023-11-08. Review status: criteria provided, single submitter. Criteria: ACMG Guidelines, 2015. Collection method: clinical testing. Allele origin: germline.
Comment: This missense variant replaces alanine with valine at codon 2539 of the RYR1 protein. Computational prediction suggests that this variant may not impact protein structure and function. To our knowledge, functional studies have not been reported for this variant. This variant has not been reported in individuals affected with RYR1-related disorders in the literature. This variant has been identified in 1/242998 chromosomes in the general population by the Genome Aggregation Database (gnomAD). The available evidence is insufficient to determine the role of this variant in disease conclusively. Therefore, this variant is classified as a Variant of Uncertain Significance.

Labcorp Genetics (formerly Invitae), Labcorp
Classification: Uncertain significance for RYR1-related disorder. Last evaluated: 2021-09-02. Review status: criteria provided, single submitter. Criteria: Invitae Variant Classification Sherloc (09022015). Collection method: clinical testing. Allele origin: germline.
Comment: This sequence change replaces alanine with valine at codon 2539 of the RYR1 protein (p.Ala2539Val). The alanine residue is highly conserved and there is a small physicochemical difference between alanine and valine. This variant is present in population databases (rs761057071, ExAC 0.01%). This variant has not been reported in the literature in individuals affected with RYR1-related conditions. Algorithms developed to predict the effect of missense changes on protein structure and function are either unavailable or do not agree on the potential impact of this missense change (SIFT: "Deleterious"; PolyPhen-2: "Benign"; Align-GVGD: "Class C0"). In summary, the available evidence is currently insufficient to determine the role of this variant in disease. Therefore, it has been classified as a Variant of Uncertain Significance.